The following is an entry in ClinVar:

ClinVar aggregate classification (germline): Uncertain significance (1 of 4 stars; one submission).

Allele frequency attached by ClinVar (database versions not stated): TOPMed below 0.00001.

Submission:

Labcorp Genetics (formerly Invitae), Labcorp
Classification: Uncertain significance. Last evaluated: 2022-10-21. Review status: criteria provided, single submitter. Criteria: Invitae Variant Classification Sherloc (09022015). Collection method: clinical testing. Allele origin: germline.
Comment: This sequence change creates a premature translational stop signal (p.Gln100*) in the TAF2 gene. It is expected to result in an absent or disrupted protein product. However, the current clinical and genetic evidence is not sufficient to establish whether loss-of-function variants in TAF2 cause disease. This variant is not present in population databases (gnomAD no frequency). This variant has not been reported in the literature in individuals affected with TAF2-related conditions. ClinVar contains an entry for this variant (Variation ID: 1487588). In summary, the available evidence is currently insufficient to determine the role of this variant in disease. Therefore, it has been classified as a Variant of Uncertain Significance.

NM_003184.4(TAF2):c.298C>T (p.Gln100Ter)

Gene: TAF2 (TATA-box binding protein associated factor 2; minus strand). Cytogenetic location: 8q24.12.
Variant type: single nucleotide variant.
Coding change: c.298C>T on transcript NM_003184.4 (MANE Select); coding-DNA position 298, C replaced by T.
Protein change: p.Gln100Ter; replaces glutamine 100 with a stop codon.
Molecular consequence: nonsense.
Genome position (GRCh38, 1-based): chr8:119,819,347, G>A on the plus strand (C>T on the coding strand, the complement: TAF2 is on the minus strand). VCF-style: chr8-119819347-G-A. GRCh37 (hg19) VCF-style: chr8-120831587-G-A.
Other names: short protein forms Q100*.
Identifiers: ClinVar variation 1487588 (VCV001487588.3), dbSNP rs1244524344, ClinGen allele CA371895682.